The following is an entry in ClinVar:

ClinVar aggregate classification (germline): Uncertain significance (1 of 4 stars; one submission).

Submission:

Labcorp Genetics (formerly Invitae), Labcorp
Classification: Uncertain significance. Last evaluated: 2022-07-12. Review status: criteria provided, single submitter. Criteria: Invitae Variant Classification Sherloc (09022015). Collection method: clinical testing. Allele origin: germline.
Comment: This variant results in a copy number gain of the genomic region encompassing exon(s) 15-39 of the TBCD gene. This region includes the termination codon of the gene. This copy number gain extends beyond the assayed region for this gene and therefore may encompass additional genes. As the precise location of this event is unknown, it may be in tandem or it may be located elsewhere in the genome. This variant has not been reported in the literature in individuals affected with TBCD-related conditions. Experimental studies and prediction algorithms are not available or were not evaluated, and the functional significance of this variant is currently unknown. In summary, the available evidence is currently insufficient to determine the role of this variant in disease. Therefore, it has been classified as a Variant of Uncertain Significance.

NC_000017.10:g.(?_80842001)_(80900339_?)dup

Gene: TBCD (tubulin folding cofactor D). Cytogenetic location: 17q25.3.
Variant type: Duplication.
Identifiers: ClinVar variation 1450487 (VCV001450487.4).